The following is an entry in ClinVar:

ClinVar aggregate classification (germline): Uncertain significance. Review status: criteria provided, multiple submitters, no conflicts (2 of 4 stars). 3 submissions from 3 submitters: Uncertain significance (3). Last evaluated 2026-04-30.

Conditions:
Marfan syndrome (MFS). Also called: MARFAN SYNDROME, TYPE I; Marfan syndrome type 1; Marfan's syndrome; Marfan syndrome, classic; FBN1-Related Marfan Syndrome. Identifiers: Orphanet 284963, Orphanet 558, MedGen C0024796, MONDO:0007947, OMIM 154700.
Familial thoracic aortic aneurysm and aortic dissection (TAAD). Also called: Thoracic aortic aneurysms and dissections. Identifiers: Orphanet 91387, MedGen C4707243, MONDO:0019625.

Allele frequency attached by ClinVar (database versions not stated): TOPMed below 0.00001; ExAC 0.00001; gnomAD exomes below 0.00001.
gnomAD v4.1: 3 of 1,614,046 alleles (0.00019%); highest among the groups gnomAD compares: South Asian, 0.0022%; no homozygotes.

Submissions (3):

Ambry Genetics
Classification: Uncertain significance for Familial thoracic aortic aneurysm and aortic dissection. Last evaluated: 2026-04-30. Review status: criteria provided, single submitter. Criteria: Ambry Variant Classification Scheme 2023. Collection method: clinical testing. Allele origin: germline.

All of Us Research Program, National Institutes of Health
Classification: Uncertain significance for Marfan syndrome. Last evaluated: 2023-06-28. Review status: criteria provided, single submitter. Criteria: ACMG Guidelines, 2015. Collection method: clinical testing. Allele origin: germline. Inheritance: Autosomal dominant inheritance. Observed: 1 variant allele, 1 heterozygote.
Comment: This study involves interpretation of variants in research participants for the purpose of population health screening. Participant phenotype was not available at the time of variant classification. Additional details can be found in publication PMID: 35346344, PMCID: PMC8962531

Labcorp Genetics (formerly Invitae), Labcorp
Classification: Uncertain significance for Marfan syndrome; Familial thoracic aortic aneurysm and aortic dissection. Last evaluated: 2023-05-29. Review status: criteria provided, single submitter. Criteria: Invitae Variant Classification Sherloc (09022015). Collection method: clinical testing. Allele origin: germline.
Comment: Advanced modeling of protein sequence and biophysical properties (such as structural, functional, and spatial information, amino acid conservation, physicochemical variation, residue mobility, and thermodynamic stability) has been performed at Invitae for this missense variant, however the output from this modeling did not meet the statistical confidence thresholds required to predict the impact of this variant on FBN1 protein function. This sequence change replaces valine, which is neutral and non-polar, with leucine, which is neutral and non-polar, at codon 2343 of the FBN1 protein (p.Val2343Leu). This variant is present in population databases (rs761076868, gnomAD 0.003%). This variant has not been reported in the literature in individuals affected with FBN1-related conditions. In summary, the available evidence is currently insufficient to determine the role of this variant in disease. Therefore, it has been classified as a Variant of Uncertain Significance.

NM_000138.5(FBN1):c.7027G>T (p.Val2343Leu)

Gene: FBN1 (fibrillin 1; minus strand). Cytogenetic location: 15q21.1.
Variant type: single nucleotide variant.
Coding change: c.7027G>T on transcript NM_000138.5 (MANE Select); coding-DNA position 7027, G replaced by T.
Protein change: p.Val2343Leu; replaces valine 2343 with leucine.
Molecular consequence: missense variant.
Genome position (GRCh38, 1-based): chr15:48,427,744, C>A on the plus strand (G>T on the coding strand, the complement: FBN1 is on the minus strand). VCF-style: chr15-48427744-C-A. GRCh37 (hg19) VCF-style: chr15-48719941-C-A.
Other names: c.7027G>T, p.Val2343Leu (NM_001406716.1); short protein forms V2343L.
Identifiers: ClinVar variation 2948311 (VCV002948311.6), dbSNP rs761076868, ClinGen allele CA057850.
Genomic context (GRCh38, chr15:48,427,744, plus strand): 5'-ATTCCGATTTGGTGACGGGGTTCCTGTTGCTGGAGCCGATCTGACACATGTTTTGTAGCA[C>A]CTCTGTGAAGCAGTACCCTTCCCGATTGTCTGGAAGGGACATTATATGGCAAAGGGGATG-3'
Protein context (NP_000129.3, residues 2333-2353): DNREGYCFTE[Val2343Leu]LQNMCQIGSS